The following is an entry in ClinVar:

ClinVar aggregate classification (germline): Uncertain significance. Review status: criteria provided, multiple submitters, no conflicts (2 of 4 stars). 2 submissions from 2 submitters: Uncertain significance (2). Last evaluated 2025-02-25.

Conditions:
Inborn genetic diseases. Identifiers: MedGen C0950123, MeSH D030342.
MHC class II deficiency. Also called: BLS, TYPE II; Bare lymphocyte syndrome 2. Identifiers: Orphanet 572, MedGen C5447452, MONDO:0008855.

Allele frequency attached by ClinVar (database versions not stated): gnomAD exomes below 0.00001 and 0.00001; TOPMed below 0.00001; gnomAD 0.00001.
gnomAD v4.1: 4 of 1,611,548 alleles (0.00025%); highest among the groups gnomAD compares: Non-Finnish European, 0.00034%; no homozygotes.

Submissions (2):

Ambry Genetics
Classification: Uncertain significance for Inborn genetic diseases. Last evaluated: 2025-02-25. Review status: criteria provided, single submitter. Criteria: Ambry Variant Classification Scheme 2023. Collection method: clinical testing. Allele origin: germline.

Labcorp Genetics (formerly Invitae), Labcorp
Classification: Uncertain significance for MHC class II deficiency. Last evaluated: 2022-03-18. Review status: criteria provided, single submitter. Criteria: Invitae Variant Classification Sherloc (09022015). Collection method: clinical testing. Allele origin: germline.
Comment: This sequence change replaces tryptophan, which is neutral and slightly polar, with cysteine, which is neutral and slightly polar, at codon 429 of the CIITA protein (p.Trp429Cys). This variant is present in population databases (no rsID available, gnomAD 0.0009%). This variant has not been reported in the literature in individuals affected with CIITA-related conditions. Algorithms developed to predict the effect of missense changes on protein structure and function are either unavailable or do not agree on the potential impact of this missense change (SIFT: "Deleterious"; PolyPhen-2: "Benign"; Align-GVGD: "Class C35"). In summary, the available evidence is currently insufficient to determine the role of this variant in disease. Therefore, it has been classified as a Variant of Uncertain Significance.

NM_000246.4(CIITA):c.1287G>C (p.Trp429Cys)

Gene: CIITA (class II major histocompatibility complex transactivator; plus strand). Cytogenetic location: 16p13.13.
Variant type: single nucleotide variant.
Coding change: c.1287G>C on transcript NM_000246.4 (MANE Select); coding-DNA position 1287, G replaced by C.
Protein change: p.Trp429Cys; replaces tryptophan 429 with cysteine.
Molecular consequence: missense variant. On other transcripts: intron variant (1).
Genome position (GRCh38, 1-based): chr16:10,906,779, G>C. VCF-style: chr16-10906779-G-C. GRCh37 (hg19) VCF-style: chr16-11000636-G-C.
Other names: c.1290G>C, p.Trp430Cys (NM_001286402.1, NM_001379332.1); c.1143G>C, p.Trp381Cys (NM_001379330.1); c.1140G>C, p.Trp380Cys (NM_001379331.1); c.1287G>C, p.Trp429Cys (NM_001379333.1); c.1218G>C, p.Trp406Cys (NM_001379334.1); c.859+1967G>C (NM_001286403.2); c.1287G>C (NM_000246.3); short protein forms W406C, W429C, W380C, W381C, W430C.
Identifiers: ClinVar variation 1415413 (VCV001415413.4), dbSNP rs1311688934, ClinGen allele CA394730154.